The following is an entry in ClinVar:

NM_015631.6(TCTN3):c.1268G>A (p.Gly423Glu)

Gene: TCTN3 (tectonic family member 3; minus strand). Cytogenetic location: 10q24.1.
Variant type: single nucleotide variant.
Coding change: c.1268G>A on transcript NM_015631.6 (MANE Select); coding-DNA position 1268, G replaced by A.
Protein change: p.Gly423Glu; replaces glycine 423 with glutamic acid.
Molecular consequence: missense variant.
Genome position (GRCh38, 1-based): chr10:95,683,131, C>T on the plus strand (G>A on the coding strand, the complement: TCTN3 is on the minus strand). VCF-style: chr10-95683131-C-T. GRCh37 (hg19) VCF-style: chr10-97442888-C-T.
Other names: c.824G>A, p.Gly275Glu (NM_001143973.2); short protein forms G423E, G275E.
Identifiers: ClinVar variation 212391 (VCV000212391.10), dbSNP rs535199429, ClinGen allele CA207725.

ClinVar aggregate classification (germline): Uncertain significance. Review status: criteria provided, multiple submitters, no conflicts (2 of 4 stars). 2 submissions from 2 submitters: Uncertain significance (2). Last evaluated 2021-09-17.

Conditions:
Orofacial-digital syndrome IV (OFD4). Also called: BARAITSER-BURN SYNDROME; OFD SYNDROME WITH TIBIAL DEFECTS; OFD SYNDROME, BARAITSER-BURN TYPE; OFDS IV; ORAL-FACIAL-DIGITAL SYNDROME, TYPE IV; MOHR-MAJEWSKI SYNDROME. Identifiers: Orphanet 2753, MedGen C0406727, MONDO:0009794, OMIM 258860.
Joubert syndrome 18 (JBTS18). Identifiers: Orphanet 2754, MedGen C3553758, MONDO:0013896, OMIM 614815.

Allele frequency attached by ClinVar (database versions not stated): gnomAD exomes 0.00006 and 0.00001; 1000 Genomes Project 30x 0.00047; 1000 Genomes Project 0.00060; TOPMed 0.00001; gnomAD 0.00003 and 0.00005; ExAC 0.00004.
gnomAD v4.1: 19 of 1,614,086 alleles (0.0012%); highest among the groups gnomAD compares: East Asian, 0.04%; no homozygotes.

Submissions (2):

Labcorp Genetics (formerly Invitae), Labcorp
Classification: Uncertain significance for Joubert syndrome 18; Orofacial-digital syndrome IV. Last evaluated: 2021-09-17. Review status: criteria provided, single submitter. Criteria: Invitae Variant Classification Sherloc (09022015). Collection method: clinical testing. Allele origin: germline.
Comment: This sequence change replaces glycine with glutamic acid at codon 423 of the TCTN3 protein (p.Gly423Glu). The glycine residue is highly conserved and there is a moderate physicochemical difference between glycine and glutamic acid. This variant is present in population databases (rs535199429, ExAC 0.06%). This variant has been observed in individual(s) with clinical features of TCTN3-related conditions (PMID: 33098376). ClinVar contains an entry for this variant (Variation ID: 212391). Algorithms developed to predict the effect of missense changes on protein structure and function are either unavailable or do not agree on the potential impact of this missense change (SIFT: "Deleterious"; PolyPhen-2: "Probably Damaging"; Align-GVGD: "Class C15"). Experimental studies have shown that this variant affects TCTN3 function (PMID: 33098376). In summary, the available evidence is currently insufficient to determine the role of this variant in disease. Therefore, it has been classified as a Variant of Uncertain Significance.

Genetic Services Laboratory, University of Chicago
Classification: Uncertain significance. Last evaluated: 2014-06-10. Review status: criteria provided, single submitter. Criteria: ACMG Guidelines, 2015. Collection method: clinical testing. Allele origin: germline.

Literature cited by the submitters: PubMed 33098376 (cited by Labcorp Genetics (formerly Invitae), Labcorp).